The following is an entry in ClinVar:

NM_005562.3(LAMC2):c.845dup (p.Ser283fs)

Gene: LAMC2 (laminin subunit gamma 2; plus strand). Cytogenetic location: 1q25.3.
Variant type: Duplication.
Coding change: c.845dup on transcript NM_005562.3 (MANE Select); coding-DNA position 845, one base duplicated (C; older notation c.845dupC).
Protein change: p.Ser283fs; shifts the reading frame from serine 283.
Molecular consequence: frameshift variant.
Genome position (GRCh38, 1-based): chr1:183,223,216, C duplicated; the last of 3 consecutive C bases (chr1:183,223,214-183,223,216); duplicating any one gives the same sequence. VCF-style (leftmost placement, unchanged base first): chr1-183223213-A-AC. GRCh37 (hg19) VCF-style: chr1-183192348-A-AC.
Other names: c.845dup, p.Ser283fs (NM_018891.3); short protein forms S283fs.
Identifiers: ClinVar variation 5011763 (VCV005011763.1).

ClinVar aggregate classification (germline): Pathogenic (1 of 4 stars; one submission).

Conditions:
Junctional epidermolysis bullosa. Identifiers: Orphanet 305, MedGen C0079301, MONDO:0017612.

Submission:

Myriad Genetics, Inc.
Classification: Pathogenic for Junctional epidermolysis bullosa. Last evaluated: 2023-09-27. Review status: criteria provided, single submitter. Criteria: Myriad Autosomal Dominant, Autosomal Recessive and X-Linked Classification Criteria (2023). Collection method: clinical testing. Allele origin: unknown.
Comment: NM_005562.2(LAMC2):c.845dupC(S283Ifs*4) is expected to be pathogenic in the context of junctional epidermolysis bullosa, LAMC2-related. This variant is predicted to lead to an abnormal or absent protein product due to the creation of a premature termination codon in LAMC2, a gene where loss-of-function variants are known to be pathogenic. Please note: this variant was assessed in the context of healthy population screening.